The following is an entry in ClinVar:

NM_001110556.2(FLNA):c.759C>G (p.Asp253Glu)

Gene: FLNA (filamin A; minus strand). Cytogenetic location: Xq28.
Variant type: single nucleotide variant.
Coding change: c.759C>G on transcript NM_001110556.2 (MANE Select); coding-DNA position 759, C replaced by G.
Protein change: p.Asp253Glu; replaces aspartic acid 253 with glutamic acid.
Molecular consequence: missense variant.
Genome position (GRCh38, 1-based): chrX:154,367,506, G>C on the plus strand (C>G on the coding strand, the complement: FLNA is on the minus strand). VCF-style: chrX-154367506-G-C. GRCh37 (hg19) VCF-style: chrX-153595874-G-C.
Other names: c.759C>G, p.Asp253Glu (NM_001456.4); short protein forms D253E.
Identifiers: ClinVar variation 3338826 (VCV003338826.1).

ClinVar aggregate classification (germline): Likely pathogenic (1 of 4 stars; one submission).

Submission:

GeneDx
Classification: Likely pathogenic. Last evaluated: 2023-08-15. Review status: criteria provided, single submitter. Criteria: GeneDx Variant Classification Process June 2021. Collection method: clinical testing. Allele origin: germline. Affected: yes.
Comment: Not observed at significant frequency in large population cohorts (gnomAD); In silico analysis supports that this missense variant has a deleterious effect on protein structure/function; This variant is associated with the following publications: (PMID: 16835913)